The following is an entry in ClinVar:

ClinVar aggregate classification (germline): Likely pathogenic (1 of 4 stars; one submission).

Submission:

GeneDx
Classification: Likely pathogenic. Last evaluated: 2017-12-14. Review status: criteria provided, single submitter. Criteria: GeneDx Variant Classification (06012015). Collection method: clinical testing. Allele origin: germline. Affected: yes.
Comment: The c.62424delG variant in the TTN gene has not been reported previously as a pathogenic variant nor as a benign variant, to our knowledge. The c.62424delG variant causes a frameshift starting with codon Valine 20808, changes this amino acid to a Histidine residue, and creates a premature Stop codon at position 9 of the new reading frame, denoted p.Val20808HisfsX9. This variant is predicted to cause loss of normal protein function either through protein truncation or nonsense-mediated mRNA decay. The c.62424delG variant is not observed in large population cohorts (Lek et al., 2016). Truncating TTN variants have been reported in approximately 3% of control alleles (Herman et al., 2012). However, c.62424delG is located in the A-band region of titin, where the majority of pathogenic truncating variants associated with dilated cardiomyopathy have been reported (Herman et al., 2012). We interpret c.62424delG as a likely pathogenic variant.

NM_001267550.2(TTN):c.70128del (p.Thr23377fs)

Genes: TTN (titin; minus strand), TTN-AS1 (TTN antisense RNA 1; plus strand), LOC126806422 (BRD4-independent group 4 enhancer GRCh37_chr2:179440205-179441404; plus strand). Cytogenetic location: 2q31.2.
Variant type: Deletion.
Coding change: c.70128del on transcript NM_001267550.2 (MANE Select); coding-DNA position 70128, one base deleted (G; older notation c.70128delG).
Protein change: p.Thr23377fs; shifts the reading frame from threonine 23377.
Molecular consequence: frameshift variant.
Genome position (GRCh38, 1-based): chr2:178,576,004, C deleted on the plus strand (G on the coding strand, the reverse complement: TTN is on the minus strand). VCF-style (leftmost placement, unchanged base first): chr2-178576003-TC-T. GRCh37 (hg19) VCF-style: chr2-179440730-TC-T.
Other names: c.65205del, p.Thr21736fs (NM_001256850.1); c.42933del, p.Thr14312fs (NM_003319.4); c.62424del, p.Thr20809fs (NM_133378.4); c.43308del, p.Thr14437fs (NM_133432.3); c.43509del, p.Thr14504fs (NM_133437.4); c.65205delG (NM_001256850.1); short protein forms T14312fs, T20809fs, T14437fs, T21736fs, T14504fs, T23377fs.
Identifiers: ClinVar variation 503957 (VCV000503957.2), dbSNP rs1553614521, ClinGen allele CA658796006.